The following is an entry in ClinVar:

ClinVar aggregate classification (germline): Pathogenic (1 of 4 stars; one submission).

Conditions:
Methylmalonic aciduria and homocystinuria type cblD (MAHCD). Also called: Methylmalonic aciduria with homocystinuria cblD type; METHYLMALONIC ACIDEMIA, cblH TYPE. Identifiers: Orphanet 622, Orphanet 79283, MedGen C1848552, MONDO:0010185, OMIM 277410.

Submission:

Labcorp Genetics (formerly Invitae), Labcorp
Classification: Pathogenic for Methylmalonic acidemia with homocystinuria cblD. Last evaluated: 2018-11-05. Review status: criteria provided, single submitter. Criteria: Invitae Variant Classification Sherloc (09022015). Collection method: clinical testing. Allele origin: germline.
Comment: This sequence change creates a premature translational stop signal (p.Leu99Alafs*2) in the MMADHC gene. It is expected to result in an absent or disrupted protein product. This variant is not present in population databases (ExAC no frequency). This variant has not been reported in the literature in individuals with MMADHC-related disease. Loss-of-function variants in MMADHC are known to be pathogenic (PMID: 18385497). For these reasons, this variant has been classified as Pathogenic.

NM_015702.3(MMADHC):c.295_296del (p.Leu99fs)

Gene: MMADHC (metabolism of cobalamin associated D; minus strand). Cytogenetic location: 2q23.2.
Variant type: Deletion.
Coding change: c.295_296del on transcript NM_015702.3 (MANE Select); coding-DNA positions 295 to 296, 2 bases deleted (TT; older notation c.295_296delTT).
Protein change: p.Leu99fs; shifts the reading frame from leucine 99.
Molecular consequence: frameshift variant.
Genome position (GRCh38, 1-based): chr2:149,579,507-149,579,508, AA deleted on the plus strand (TT on the coding strand, the reverse complement: MMADHC is on the minus strand); deleting any 2 consecutive bases within chr2:149,579,507-149,579,509 gives the same sequence; the c. name uses the placement nearest the transcript's 3' end. VCF-style (leftmost placement, unchanged base first): chr2-149579506-CAA-C. GRCh37 (hg19) VCF-style: chr2-150436020-CAA-C.
Other names: short protein forms L99fs.
Identifiers: ClinVar variation 639047 (VCV000639047.1), dbSNP rs1573878695, ClinGen allele CA915942860.